The following is an entry in ClinVar:

ClinVar aggregate classification (germline): Likely benign (1 of 4 stars; one submission).

Submission:

CeGaT Center for Human Genetics Tuebingen
Classification: Likely benign. Last evaluated: 2023-11-01. Review status: criteria provided, single submitter. Criteria: CeGaT Center For Human Genetics Tuebingen Variant Classification Criteria Version 2. Collection method: clinical testing. Allele origin: germline. Affected: yes. Observed: 1 variant allele.
Comment: KIR3DL1: BP4, BP7

NM_013289.4(KIR3DL1):c.1134A>C (p.Ala378=)

Gene: KIR3DL1 (killer cell immunoglobulin like receptor, three Ig domains and long cytoplasmic tail 1). Cytogenetic location: 19q13.42.
Variant type: single nucleotide variant.
Coding change: c.1134A>C on transcript NM_013289.4 (MANE Select); coding-DNA position 1134, A replaced by C.
Protein change: p.Ala378=; no amino-acid change (alanine 378 retained).
Molecular consequence: synonymous variant.
Genome position (GRCh38, 1-based): chr19:54,829,956, A>C. VCF-style: chr19-54829956-A-C. GRCh37 (hg19) VCF-style: chr19-55341411-A-C.
Identifiers: ClinVar variation 2672790 (VCV002672790.23), dbSNP rs1384102720, ClinGen allele CA883725706.